The following is an entry in ClinVar:

NM_001374259.2(IL12RB2):c.778C>T (p.Arg260Trp)

Gene: IL12RB2 (interleukin 12 receptor subunit beta 2; plus strand). Cytogenetic location: 1p31.3.
Variant type: single nucleotide variant.
Coding change: c.778C>T on transcript NM_001374259.2 (MANE Select); coding-DNA position 778, C replaced by T.
Protein change: p.Arg260Trp; replaces arginine 260 with tryptophan.
Molecular consequence: missense variant. On other transcripts: non-coding transcript variant (2).
Genome position (GRCh38, 1-based): chr1:67,329,700, C>T. VCF-style: chr1-67329700-C-T. GRCh37 (hg19) VCF-style: chr1-67795383-C-T.
Other names: c.778C>T, p.Arg260Trp (NM_001258214.1, NM_001258215.1, NM_001258216.1 and 2 more transcripts); short protein forms R260W.
Identifiers: ClinVar variation 1348138 (VCV001348138.6), dbSNP rs746659410, ClinGen allele CA900285.

ClinVar aggregate classification (germline): Uncertain significance (1 of 4 stars; one submission).

Allele frequency attached by ClinVar (database versions not stated): gnomAD exomes below 0.00001 and 0.00001; gnomAD 0.00001; TOPMed below 0.00001; ExAC 0.00001.
gnomAD v4.1: 10 of 1,605,990 alleles (0.00062%); highest among the groups gnomAD compares: East Asian, 0.0045%; no homozygotes.

Submission:

Labcorp Genetics (formerly Invitae), Labcorp
Classification: Uncertain significance. Last evaluated: 2025-04-28. Review status: criteria provided, single submitter. Criteria: Invitae Variant Classification Sherloc (09022015). Collection method: clinical testing. Allele origin: germline.
Comment: This sequence change replaces arginine, which is basic and polar, with tryptophan, which is neutral and slightly polar, at codon 260 of the IL12RB2 protein (p.Arg260Trp). This variant is not present in population databases (gnomAD no frequency). This variant has not been reported in the literature in individuals affected with IL12RB2-related conditions. ClinVar contains an entry for this variant (Variation ID: 1348138). An algorithm developed to predict the effect of missense changes on protein structure and function (PolyPhen-2) suggests that this variant is likely to be disruptive. In summary, the available evidence is currently insufficient to determine the role of this variant in disease. Therefore, it has been classified as a Variant of Uncertain Significance.